The following is an entry in ClinVar:

ClinVar aggregate classification (germline): Uncertain significance (1 of 4 stars; one submission).

Conditions:
Cardiovascular phenotype. Identifiers: MedGen CN230736.

Submission:

Ambry Genetics
Classification: Uncertain significance for Cardiovascular phenotype. Last evaluated: 2023-05-14. Review status: criteria provided, single submitter. Criteria: Ambry Variant Classification Scheme 2023. Collection method: clinical testing. Allele origin: germline.
Comment: The p.A46S variant (also known as c.136G>T), located in coding exon 1 of the DOLK gene, results from a G to T substitution at nucleotide position 136. The alanine at codon 46 is replaced by serine, an amino acid with similar properties. This amino acid position is conserved. In addition, this alteration is predicted to be tolerated by in silico analysis. Since supporting evidence is limited at this time, the clinical significance of this alteration remains unclear.

NM_014908.4(DOLK):c.136G>T (p.Ala46Ser)

Gene: DOLK (dolichol kinase; minus strand). Cytogenetic location: 9q34.11.
Variant type: single nucleotide variant.
Coding change: c.136G>T on transcript NM_014908.4 (MANE Select); coding-DNA position 136, G replaced by T.
Protein change: p.Ala46Ser; replaces alanine 46 with serine.
Molecular consequence: missense variant.
Genome position (GRCh38, 1-based): chr9:128,947,168, C>A on the plus strand (G>T on the coding strand, the complement: DOLK is on the minus strand). VCF-style: chr9-128947168-C-A. GRCh37 (hg19) VCF-style: chr9-131709447-C-A.
Other names: short protein forms A46S.
Identifiers: ClinVar variation 2563476 (VCV002563476.2), dbSNP rs2131129267, ClinGen allele CA375128172.
Genomic context (GRCh38, chr9:128,947,168, plus strand): 5'-GCTGTAGCAGCCGGTCCCACTTGTATTGGACGTAGAAGGCCTGCACTGCGAGGGCCACGG[C>A]GCACCACGAGTATCGGTCCCATACGGTTGCGTGGATGCTCAGCACCACTGCAAACACTAC-3'
Protein context (NP_055723.1, residues 36-56): ATVWDRYSWC[Ala46Ser]VALAVQAFYV